The following is an entry in ClinVar:

ClinVar aggregate classification (germline): Uncertain significance. Review status: criteria provided, multiple submitters, no conflicts (2 of 4 stars). 2 submissions from 2 submitters: Uncertain significance (2). Last evaluated 2021-12-22.

Conditions:
Neuropathy, hereditary sensory and autonomic, type 2A (HSAN2A). Also called: ACROOSTEOLYSIS, GIACCAI TYPE; ACROOSTEOLYSIS, NEUROGENIC; MORVAN DISEASE; NEUROPATHY, CONGENITAL SENSORY; NEUROPATHY, HEREDITARY SENSORY RADICULAR, AUTOSOMAL RECESSIVE; NEUROPATHY, HEREDITARY SENSORY, TYPE IIA. Identifiers: Orphanet 970, MedGen C2752089, MONDO:0024309, OMIM 201300.
Pseudohypoaldosteronism type 2C (PHA2C). Also called: Pseudohypoaldosteronism Type IIC. Identifiers: Orphanet 757, Orphanet 88940, MedGen C1840391, MONDO:0013778, OMIM 614492.

Allele frequency attached by ClinVar (database versions not stated): gnomAD 0.00001; gnomAD exomes 0.00002 and 0.00004; ExAC 0.00005.
gnomAD v4.1: 29 of 1,613,976 alleles (0.0018%); highest among the groups gnomAD compares: South Asian, 0.032%; 1 homozygote.

Submissions (2):

Fulgent Genetics
Classification: Uncertain significance for Neuropathy, hereditary sensory and autonomic, type 2A; Pseudohypoaldosteronism type 2C. Last evaluated: 2021-12-22. Review status: criteria provided, single submitter. Criteria: ACMG Guidelines, 2015. Collection method: clinical testing. Allele origin: unknown.

Labcorp Genetics (formerly Invitae), Labcorp
Classification: Uncertain significance for Neuropathy, hereditary sensory and autonomic, type 2A; Pseudohypoaldosteronism type 2C. Last evaluated: 2021-10-05. Review status: criteria provided, single submitter. Criteria: Invitae Variant Classification Sherloc (09022015). Collection method: clinical testing. Allele origin: germline.
Comment: This sequence change replaces proline with histidine at codon 607 of the WNK1 protein (p.Pro607His). The proline residue is highly conserved and there is a moderate physicochemical difference between proline and histidine. In summary, the available evidence is currently insufficient to determine the role of this variant in disease. Therefore, it has been classified as a Variant of Uncertain Significance. Advanced modeling of protein sequence and biophysical properties (such as structural, functional, and spatial information, amino acid conservation, physicochemical variation, residue mobility, and thermodynamic stability) performed at Invitae indicates that this missense variant is not expected to disrupt WNK1 protein function. This variant has not been reported in the literature in individuals affected with WNK1-related conditions. This variant is present in population databases (rs540823007, ExAC 0.04%).

NM_018979.4(WNK1):c.1820C>A (p.Pro607His)

Gene: WNK1 (WNK lysine deficient protein kinase 1; plus strand). Cytogenetic location: 12p13.33.
Variant type: single nucleotide variant.
Coding change: c.1820C>A on transcript NM_018979.4 (MANE Select); coding-DNA position 1820, C replaced by A.
Protein change: p.Pro607His; replaces proline 607 with histidine.
Molecular consequence: missense variant.
Genome position (GRCh38, 1-based): chr12:861,212, C>A. VCF-style: chr12-861212-C-A. GRCh37 (hg19) VCF-style: chr12-970378-C-A.
Other names: c.1820C>A, p.Pro607His (NM_001184985.2, NM_014823.3, NM_213655.5); short protein forms P607H.
Identifiers: ClinVar variation 1423782 (VCV001423782.7), dbSNP rs540823007, ClinGen allele CA6382037.